The following is an entry in ClinVar:

ClinVar aggregate classification (germline): Uncertain significance. Review status: criteria provided, multiple submitters, no conflicts (2 of 4 stars). 3 submissions from 3 submitters: Uncertain significance (3). Last evaluated 2025-09-01.

Conditions:
Inborn genetic diseases. Identifiers: MedGen C0950123, MeSH D030342.
ALG11-congenital disorder of glycosylation. Also called: CONGENITAL DISORDER OF GLYCOSYLATION, TYPE Ip; ALG11-CDG. Identifiers: Orphanet 280071, MedGen C3150913, MONDO:0013349, OMIM 613661.

Allele frequency attached by ClinVar (database versions not stated): ExAC 0.00004; gnomAD exomes 0.00004.
gnomAD v4.1: 34 of 1,613,948 alleles (0.0021%); highest among the groups gnomAD compares: South Asian, 0.034%; no homozygotes.

Submissions (3):

Ambry Genetics
Classification: Uncertain significance for Inborn genetic diseases. Last evaluated: 2025-09-01. Review status: criteria provided, single submitter. Criteria: Ambry Variant Classification Scheme 2023. Collection method: clinical testing. Allele origin: germline.

Labcorp Genetics (formerly Invitae), Labcorp
Classification: Uncertain significance for ALG11-congenital disorder of glycosylation. Last evaluated: 2022-08-16. Review status: criteria provided, single submitter. Criteria: Invitae Variant Classification Sherloc (09022015). Collection method: clinical testing. Allele origin: germline.
Comment: This variant is present in population databases (rs746897177, gnomAD 0.04%). This variant has not been reported in the literature in individuals affected with ALG11-related conditions. ClinVar contains an entry for this variant (Variation ID: 883889). Algorithms developed to predict the effect of missense changes on protein structure and function (SIFT, PolyPhen-2, Align-GVGD) all suggest that this variant is likely to be tolerated. In summary, the available evidence is currently insufficient to determine the role of this variant in disease. Therefore, it has been classified as a Variant of Uncertain Significance. This sequence change replaces serine, which is neutral and polar, with arginine, which is basic and polar, at codon 7 of the ALG11 protein (p.Ser7Arg).

Illumina Laboratory Services, Illumina
Classification: Uncertain significance for ALG11-congenital disorder of glycosylation. Last evaluated: 2018-01-13. Review status: criteria provided, single submitter. Criteria: ICSL Variant Classification Criteria 13 December 2019. Collection method: clinical testing. Allele origin: germline.

NM_001004127.3(ALG11):c.21C>G (p.Ser7Arg)

Genes: ALG11 (ALG11 alpha-1,2-mannosyltransferase; plus strand), LOC130009841 (ATAC-STARR-seq lymphoblastoid active region 7785; plus strand). Cytogenetic location: 13q14.3.
Variant type: single nucleotide variant.
Coding change: c.21C>G on transcript NM_001004127.3 (MANE Select); coding-DNA position 21, C replaced by G.
Protein change: p.Ser7Arg; replaces serine 7 with arginine.
Molecular consequence: missense variant. On other transcripts: non-coding transcript variant (1).
Genome position (GRCh38, 1-based): chr13:52,012,439, C>G. VCF-style: chr13-52012439-C-G. GRCh37 (hg19) VCF-style: chr13-52586575-C-G.
Other names: short protein forms S7R.
Identifiers: ClinVar variation 883889 (VCV000883889.9), dbSNP rs746897177, ClinGen allele CA6989770.
Genomic context (GRCh38, chr13:52,012,439, plus strand): 5'-GGAAAGTGAAGCGTTTCCTGAGTTCGGGGGTCGGCGGAAGATGGCGGCCGGCGAAAGGAG[C>G]TGGTGCCTGTGCAAGTTGTTGAGGTGAGCAGCCGGTCGTGTGGGCTCACAGACGTTTTCT-3'
Protein context (NP_001004127.2, residues 1-17): MAAGER[Ser7Arg]WCLCKLLRFF